The following is an entry in ClinVar:

ClinVar aggregate classification (germline): Uncertain significance (1 of 4 stars; one submission).

Conditions:
Ataxia-pancytopenia syndrome (ATXPC). Also called: SAMD9L Ataxia-Pancytopenia Syndrome; SAMD9L-Related Syndrome. Identifiers: Orphanet 2585, MedGen C1327919, MONDO:0008038, OMIM 159550.

Submission:

Centre for Mendelian Genomics, University Medical Centre Ljubljana
Classification: Uncertain significance for Ataxia-pancytopenia syndrome. Last evaluated: 2020-01-24. Review status: criteria provided, single submitter. Criteria: ACMG Guidelines, 2015. Collection method: clinical testing. Allele origin: unknown. Affected: yes.
Comment: This variant was classified as: Uncertain significance. The available evidence on this variant's pathogenicity is insufficient or conflicting. The following ACMG criteria were applied in classifying this variant: PM2.

NM_152703.5(SAMD9L):c.3156C>G (p.Asp1052Glu)

Gene: SAMD9L (sterile alpha motif domain containing 9 like; minus strand). Cytogenetic location: 7q21.2.
Variant type: single nucleotide variant.
Coding change: c.3156C>G on transcript NM_152703.5 (MANE Select); coding-DNA position 3156, C replaced by G.
Protein change: p.Asp1052Glu; replaces aspartic acid 1052 with glutamic acid.
Molecular consequence: missense variant.
Genome position (GRCh38, 1-based): chr7:93,132,816, G>C on the plus strand (C>G on the coding strand, the complement: SAMD9L is on the minus strand). VCF-style: chr7-93132816-G-C. GRCh37 (hg19) VCF-style: chr7-92762129-G-C.
Other names: c.3156C>G, p.Asp1052Glu (NM_001303496.3, NM_001303497.3, NM_001303498.3 and 5 more transcripts); short protein forms D1052E.
Identifiers: ClinVar variation 930856 (VCV000930856.3), dbSNP rs1792194225, ClinGen allele CA368184502.
Genomic context (GRCh38, chr7:93,132,816, plus strand): 5'-ACTCAAGACCTTTTCAATGTCTTTATTCTGTAAAGCTTCCATTAATGGGGAAAACAGAGT[G>C]TCTGTTTCATCTCCATACACCTTGCGCTGTCTTGTAAGCAGAAGAGTTTGAACATCATGT-3'
Protein context (NP_689916.2, residues 1042-1062): RQRKVYGDET[Asp1052Glu]TLFSPLMEAL